The following is an entry in ClinVar:

NM_003280.3(TNNC1):c.476G>A (p.Gly159Asp)

Gene: TNNC1 (troponin C1, slow skeletal and cardiac type; minus strand). Cytogenetic location: 3p21.1.
Variant type: single nucleotide variant.
Coding change: c.476G>A on transcript NM_003280.3 (MANE Select); coding-DNA position 476, G replaced by A.
Protein change: p.Gly159Asp; replaces glycine 159 with aspartic acid.
Molecular consequence: missense variant.
Genome position (GRCh38, 1-based): chr3:52,451,285, C>T on the plus strand (G>A on the coding strand, the complement: TNNC1 is on the minus strand). VCF-style: chr3-52451285-C-T. GRCh37 (hg19) VCF-style: chr3-52485301-C-T.
Other names: c.476G>A, p.Gly159Asp (LRG_378t1); short protein forms G159D.
Identifiers: ClinVar variation 12441 (VCV000012441.4), dbSNP rs104893823, ClinGen allele CA122392.
Genomic context (GRCh38, chr3:52,451,285, plus strand): 5'-CAGCTGGAGTTGGAGGCTGGGCATAGGCAGCTCTGGGTGAAGGTCAGCATCTACTCCACA[C>T]CCTTCATGAACTCCAGGAACTCTGTGGAAAGAGGGGCAGGTGTGGGTTGAGGGTAGGGGC-3'
Protein context (NP_003271.1, residues 149-161): DYDEFLEFMK[Gly159Asp]VE

ClinVar aggregate classification (germline): Likely pathogenic. Review status: criteria provided, single submitter (1 of 4 stars). 2 submissions from 2 submitters: Likely pathogenic (1). 1 of the submissions does not count toward it. Last evaluated 2020-01-13.

Conditions:
Dilated cardiomyopathy 1Z (CMD1Z). Identifiers: Orphanet 154, MedGen C2678475, MONDO:0012745, OMIM 611879.

Submissions (2):

GeneDx
Classification: Likely pathogenic. Last evaluated: 2020-01-13. Review status: criteria provided, single submitter. Criteria: GeneDx Variant Classification Process June 2021. Collection method: clinical testing. Allele origin: germline. Affected: yes.
Comment: Not observed in large population cohorts (Lek et al., 2016); In silico analysis, which includes protein predictors and evolutionary conservation, supports that this variant does not alter protein structure/function; Functional studies demonstrate this variant reduces the calcium sensitivity and impairs interaction with troponin (Mogensen et al., 2004; Dweck et al., 2008; Dyer et al., 2009); This variant is associated with the following publications: (PMID: 15542288, 15923195, 18056765, 26232335, 17021793, 26109583, 30065175, 19808376, 17932326, 17446435, 18820258, 18803402, 23539503, 26183555, 21832052, 23008774, 17577574, 17977476, 29093449, 28352236, 29636697)

OMIM
Classification: Pathogenic for CARDIOMYOPATHY, DILATED, 1Z. Last evaluated: 2009-09-01. Review status: no assertion criteria provided. Collection method: literature only. Allele origin: germline. Not counted in ClinVar's aggregate classification.

Literature cited by the submitters: PubMed 15542288 (cited by OMIM); PubMed 17977476 (cited by OMIM); PubMed 19808376 (cited by OMIM); PubMed 29093449 (cited by OMIM).